The following is an entry in ClinVar:

NM_007129.5(ZIC2):c.1282G>C (p.Ala428Pro)

Gene: ZIC2 (Zic family zinc finger 2; plus strand). Cytogenetic location: 13q32.3.
Variant type: single nucleotide variant.
Coding change: c.1282G>C on transcript NM_007129.5 (MANE Select); coding-DNA position 1282, G replaced by C.
Protein change: p.Ala428Pro; replaces alanine 428 with proline.
Molecular consequence: missense variant.
Genome position (GRCh38, 1-based): chr13:99,985,365, G>C. VCF-style: chr13-99985365-G-C. GRCh37 (hg19) VCF-style: chr13-100637619-G-C.
Other names: short protein forms A428P.
Identifiers: ClinVar variation 4744118 (VCV004744118.1).

ClinVar aggregate classification (germline): Uncertain significance (1 of 4 stars; one submission).

Conditions:
Holoprosencephaly 5 (HPE5). Identifiers: Orphanet 2162, MedGen C1864827, MONDO:0012322, OMIM 609637.

Submission:

Labcorp Genetics (formerly Invitae), Labcorp
Classification: Uncertain significance for Holoprosencephaly 5. Last evaluated: 2026-01-17. Review status: criteria provided, single submitter. Criteria: Invitae Variant Classification Sherloc (09022015). Collection method: clinical testing. Allele origin: germline.
Comment: This sequence change replaces alanine, which is neutral and non-polar, with proline, which is neutral and non-polar, at codon 428 of the ZIC2 protein (p.Ala428Pro). This variant is not present in population databases (gnomAD no frequency). This variant has not been reported in the literature in individuals affected with ZIC2-related conditions. Invitae Evidence Modeling of protein sequence and biophysical properties (such as structural, functional, and spatial information, amino acid conservation, physicochemical variation, residue mobility, and thermodynamic stability) indicates that this missense variant is not expected to disrupt ZIC2 protein function with a negative predictive value of 80%. In summary, the available evidence is currently insufficient to determine the role of this variant in disease. Therefore, it has been classified as a Variant of Uncertain Significance.